The following is an entry in ClinVar:

NM_000264.5(PTCH1):c.1067+5G>C

Gene: PTCH1 (patched 1; minus strand). Cytogenetic location: 9q22.32.
Variant type: single nucleotide variant.
Coding change: c.1067+5G>C on transcript NM_000264.5 (MANE Select); 5 bases into the intron after coding-DNA position 1067, G replaced by C.
Molecular consequence: intron variant.
Genome position (GRCh38, 1-based): chr9:95,479,964, C>G on the plus strand (G>C on the coding strand, the complement: PTCH1 is on the minus strand). VCF-style: chr9-95479964-C-G. GRCh37 (hg19) VCF-style: chr9-98242246-C-G.
Other names: c.1064+5G>C (NM_001083603.3); c.869+5G>C (NM_001083602.3); c.1067+5G>C (NM_001354918.2, NM_000264.4); c.614+5G>C (NM_001083605.3, NM_001083604.3, NM_001083606.3 and 1 more transcripts).
Identifiers: ClinVar variation 237448 (VCV000237448.23), dbSNP rs372657547, ClinGen allele CA5138779.
Genomic context (GRCh38, chr9:95,479,964, plus strand): 5'-GGAAGTGGCTTTTGAGGAAAGGAAGAAGACTACAGGGCATAGATTGTCCTCGGGAGCTGG[C>G]TTACCTGACGAGTTTTCCAGTGCTGTTCTTGACTGTGCCACCCACAATCAACTCCTCCTG-3'

ClinVar aggregate classification (germline): Conflicting classifications of pathogenicity. Review status: criteria provided, conflicting classifications (1 of 4 stars). 6 submissions from 6 submitters: Uncertain significance (3); Likely benign (3). Last evaluated 2026-01-28.

Conditions:
Basal cell carcinoma, susceptibility to, 1. Also called: BCC1. Identifiers: MedGen C2751544, MONDO:0011556, OMIM 605462.
Hereditary cancer-predisposing syndrome. Also called: Tumor predisposition; Hereditary Cancer Syndrome; Hereditary neoplastic syndrome; Neoplastic Syndromes, Hereditary. Identifiers: Orphanet 140162, MedGen C0027672, MeSH D009386, MONDO:0015356.
Gorlin syndrome. Also called: Nevoid Basal Cell Carcinoma Syndrome; Basal cell nevus syndrome. Identifiers: Orphanet 377, MedGen C0004779, MONDO:0007187.

Allele frequency attached by ClinVar (database versions not stated): gnomAD 0.00002 and 0.00004; TOPMed 0.00005; gnomAD exomes 0.00007; ExAC 0.00008; ESP Exome Variant Server 0.00008.
gnomAD v4.1: 67 of 1,614,026 alleles (0.0042%); highest among the groups gnomAD compares: Non-Finnish European, 0.0053%; no homozygotes.

Submissions (6):

Labcorp Genetics (formerly Invitae), Labcorp
Classification: Likely benign for Gorlin syndrome. Last evaluated: 2026-01-28. Review status: criteria provided, single submitter. Criteria: Invitae Variant Classification Sherloc (09022015). Collection method: clinical testing. Allele origin: germline.

Quest Diagnostics Nichols Institute San Juan Capistrano
Classification: Likely benign. Last evaluated: 2023-06-28. Review status: criteria provided, single submitter. Criteria: Quest Diagnostics criteria. Collection method: clinical testing. Allele origin: unknown.

Institute for Clinical Genetics, University Hospital TU Dresden, University Hospital TU Dresden
Classification: Uncertain significance. Last evaluated: 2021-11-03. Review status: criteria provided, single submitter. Criteria: ACMG Guidelines, 2015. Collection method: clinical testing. Allele origin: germline.

Institute of Human Genetics, University of Leipzig Medical Center
Classification: Uncertain significance for Basal cell carcinoma, susceptibility to, 1. Last evaluated: 2019-01-01. Review status: criteria provided, single submitter. Criteria: ACMG Guidelines, 2015. Collection method: clinical testing. Allele origin: unknown. Affected: no.

Ambry Genetics
Classification: Likely benign for Hereditary cancer-predisposing syndrome. Last evaluated: 2018-03-21. Review status: criteria provided, single submitter. Criteria: Ambry Variant Classification Scheme 2023. Collection method: clinical testing. Allele origin: germline.

GeneDx
Classification: Uncertain significance. Last evaluated: 2016-01-07. Review status: criteria provided, single submitter. Criteria: GeneDx Variant Classification (06012015). Collection method: clinical testing. Allele origin: germline. Affected: yes.
Comment: The c.1067+5 G>C variant has not been published as a pathogenic variant, nor has it been reported asa benign variant to our knowledge. It was not observed with any significant frequency inapproximately 6,500 individuals of European and African American ancestry in the NHLBI ExomeSequencing Project. Several in-silico splice prediction models predict that c.1067+5 G>C may damagethe natural splice donor site for IVS7 and lead to abnormal gene splicing. However, in the absence ofRNA/functional studies, the actual effect of this sequence change in this individual is unknown.Therefore, based on the currently available information, it is unclear whether this variant is apathogenic variant or a rare benign variant